The following is an entry in ClinVar:

ClinVar aggregate classification (germline): Uncertain significance (1 of 4 stars; one submission).

Conditions:
Charcot-Marie-Tooth disease type 4. Also called: Charcot-Marie-Tooth disease, type IV; Charcot-Marie-Tooth, Type 4. Identifiers: Orphanet 64749, MedGen C4082197, MONDO:0018995.

Submission:

Labcorp Genetics (formerly Invitae), Labcorp
Classification: Uncertain significance for Charcot-Marie-Tooth disease type 4. Last evaluated: 2024-02-19. Review status: criteria provided, single submitter. Criteria: Invitae Variant Classification Sherloc (09022015). Collection method: clinical testing. Allele origin: germline.
Comment: This sequence change replaces proline, which is neutral and non-polar, with threonine, which is neutral and polar, at codon 575 of the PRX protein (p.Pro575Thr). Information on the frequency of this variant in the gnomAD database is not available, as this variant may be reported differently in the database. This variant has not been reported in the literature in individuals affected with PRX-related conditions. ClinVar contains an entry for this variant (Variation ID: 1015349). Experimental studies and prediction algorithms are not available or were not evaluated, and the functional significance of this variant is currently unknown. In summary, the available evidence is currently insufficient to determine the role of this variant in disease. Therefore, it has been classified as a Variant of Uncertain Significance.

NM_181882.3(PRX):c.1722_1723delinsCA (p.Pro575Thr)

Gene: PRX (periaxin; minus strand). Cytogenetic location: 19q13.2.
Variant type: Indel.
Coding change: c.1722_1723delinsCA on transcript NM_181882.3 (MANE Select); coding-DNA positions 1722 to 1723, GC replaced by CA.
Protein change: p.Pro575Thr; replaces proline 575 with threonine.
Molecular consequence: missense variant. On other transcripts: 3 prime UTR variant (1).
Genome position (GRCh38, 1-based): chr19:40,396,629-40,396,630, GC replaced by TG on the plus strand (GC replaced by CA on the coding strand, the reverse complement: PRX is on the minus strand). VCF-style: chr19-40396629-GC-TG. GRCh37 (hg19) VCF-style: chr19-40902536-GC-TG.
Other names: c.*1927_*1928delinsCA (NM_020956.2); short protein forms P575T.
Identifiers: ClinVar variation 1015349 (VCV001015349.7), dbSNP rs2079440418, ClinGen allele CA2335961751.